The following is an entry in ClinVar:

NM_020921.4(NIN):c.133G>A (p.Val45Met)

Genes: NIN (ninein; minus strand), LOC105370489 (uncharacterized LOC105370489; plus strand). Cytogenetic location: 14q22.1.
Variant type: single nucleotide variant.
Coding change: c.133G>A on transcript NM_020921.4 (MANE Select); coding-DNA position 133, G replaced by A.
Protein change: p.Val45Met; replaces valine 45 with methionine.
Molecular consequence: missense variant. On other transcripts: non-coding transcript variant (1).
Genome position (GRCh38, 1-based): chr14:50,821,924, C>T on the plus strand (G>A on the coding strand, the complement: NIN is on the minus strand). VCF-style: chr14-50821924-C-T. GRCh37 (hg19) VCF-style: chr14-51288642-C-T.
Other names: c.133G>A, p.Val45Met (NM_016350.5, NM_182944.3, NM_182946.2); short protein forms V45M.
Identifiers: ClinVar variation 1898842 (VCV001898842.6), dbSNP rs774290897, ClinGen allele CA260853909.

ClinVar aggregate classification (germline): Uncertain significance. Review status: criteria provided, multiple submitters, no conflicts (2 of 4 stars). 2 submissions from 2 submitters: Uncertain significance (2). Last evaluated 2022-10-19.

Allele frequency attached by ClinVar (database versions not stated): gnomAD exomes below 0.00001; gnomAD 0.00001; TOPMed 0.00001.
gnomAD v4.1: 9 of 1,614,064 alleles (0.00056%); highest among the groups gnomAD compares: Admixed American, 0.0017%; no homozygotes.

Submissions (2):

Labcorp Genetics (formerly Invitae), Labcorp
Classification: Uncertain significance. Last evaluated: 2022-10-19. Review status: criteria provided, single submitter. Criteria: Invitae Variant Classification Sherloc (09022015). Collection method: clinical testing. Allele origin: germline.
Comment: This sequence change replaces valine, which is neutral and non-polar, with methionine, which is neutral and non-polar, at codon 45 of the NIN protein (p.Val45Met). This variant is present in population databases (rs774290897, gnomAD 0.004%). This variant has not been reported in the literature in individuals affected with NIN-related conditions. Algorithms developed to predict the effect of missense changes on protein structure and function are either unavailable or do not agree on the potential impact of this missense change (SIFT: "Deleterious"; PolyPhen-2: "Probably Damaging"; Align-GVGD: "Class C0"). In summary, the available evidence is currently insufficient to determine the role of this variant in disease. Therefore, it has been classified as a Variant of Uncertain Significance.

Ambry Genetics
Classification: Uncertain significance. Last evaluated: 2022-05-27. Review status: criteria provided, single submitter. Criteria: Ambry Variant Classification Scheme 2023. Collection method: clinical testing. Allele origin: germline.